The following is an entry in ClinVar:

ClinVar aggregate classification (germline): Likely pathogenic (1 of 4 stars; one submission).

Submission:

Labcorp Genetics (formerly Invitae), Labcorp
Classification: Likely pathogenic. Last evaluated: 2025-02-06. Review status: criteria provided, single submitter. Criteria: Invitae Variant Classification Sherloc (09022015). Collection method: clinical testing. Allele origin: germline.
Comment: This sequence change affects a donor splice site in intron 17 of the OTOG gene. It is expected to disrupt RNA splicing. Variants that disrupt the donor or acceptor splice site typically lead to a loss of protein function (PMID: 16199547), and loss-of-function variants in OTOG are known to be pathogenic (PMID: 23122587). This variant is not present in population databases (gnomAD no frequency). This variant has not been reported in the literature in individuals affected with OTOG-related conditions. Algorithms developed to predict the effect of sequence changes on RNA splicing suggest that this variant may disrupt the consensus splice site. In summary, the currently available evidence indicates that the variant is pathogenic, but additional data are needed to prove that conclusively. Therefore, this variant has been classified as Likely Pathogenic.

Literature cited by the submitters: PubMed 16199547; PubMed 23122587.

NM_001292063.2(OTOG):c.2080+1G>A

Gene: OTOG (otogelin; plus strand). Cytogenetic location: 11p15.1.
Variant type: single nucleotide variant.
Coding change: c.2080+1G>A on transcript NM_001292063.2 (MANE Select); the canonical splice donor site of the intron after coding-DNA position 2080, G replaced by A.
Molecular consequence: splice donor variant.
Genome position (GRCh38, 1-based): chr11:17,572,205, G>A. VCF-style: chr11-17572205-G-A. GRCh37 (hg19) VCF-style: chr11-17593752-G-A.
Other names: c.2116+1G>A (NM_001277269.2).
Identifiers: ClinVar variation 4693909 (VCV004693909.1).
Genomic context (GRCh38, chr11:17,572,205, plus strand): 5'-CTTGCTCCCCGCTGGTCTCTGGCTCCCCTCTGGACCCCTGCGATGTGCACCTGCAAGCCG[G>A]TGAGTTGGTGGGGGAAGAGGAGAGGCATGGTTGAGTGGGGTGGGGAGGACTGCTTTGAGA-3'